The following is an entry in ClinVar:

ClinVar aggregate classification (germline): Likely benign (1 of 4 stars; one submission).

Conditions:
Peters plus syndrome. Also called: KRAUSE-KIVLIN SYNDROME. Identifiers: Orphanet 709, MedGen C0796012, MONDO:0009856, OMIM 261540.

Allele frequency attached by ClinVar (database versions not stated): 1000 Genomes Project 0.00140; 1000 Genomes Project 30x 0.00141; gnomAD 0.00279 and 0.00282; TOPMed 0.00288.

Submission:

Illumina Laboratory Services, Illumina
Classification: Likely benign for Peters plus syndrome. Last evaluated: 2018-01-13. Review status: criteria provided, single submitter. Criteria: ICSL Variant Classification Criteria 13 December 2019. Collection method: clinical testing. Allele origin: germline.
Comment: This variant was observed in the ICSL laboratory as part of a predisposition screen in an ostensibly healthy population. It had not been previously curated by ICSL or reported in the Human Gene Mutation Database (HGMD: prior to June 1st, 2018), and was therefore a candidate for classification through an automated scoring system. Utilizing variant allele frequency, disease prevalence and penetrance estimates, and inheritance mode, an automated score was calculated to assess if this variant is too frequent to cause the disease. Based on the score and internal cut-off values, a variant classified as likely benign is not then subjected to further curation. The score for this variant resulted in a classification of likely benign for this disease.

NM_194318.4(B3GLCT):c.*1498C>T

Gene: B3GLCT (beta 3-glucosyltransferase; plus strand). Cytogenetic location: 13q12.3.
Variant type: single nucleotide variant.
Coding change: c.*1498C>T on transcript NM_194318.4 (MANE Select); 1498 bases downstream of the stop codon, C replaced by T.
Molecular consequence: 3 prime UTR variant.
Genome position (GRCh38, 1-based): chr13:31,331,166, C>T. VCF-style: chr13-31331166-C-T. GRCh37 (hg19) VCF-style: chr13-31905303-C-T.
Identifiers: ClinVar variation 883162 (VCV000883162.4), dbSNP rs183306635, ClinGen allele CA247893118.